The following is an entry in ClinVar:

NM_000548.5(TSC2):c.1543C>T (p.Leu515=)

Gene: TSC2 (TSC complex subunit 2; plus strand). Cytogenetic location: 16p13.3.
Variant type: single nucleotide variant.
Coding change: c.1543C>T on transcript NM_000548.5 (MANE Select); coding-DNA position 1543, C replaced by T.
Protein change: p.Leu515=; no amino-acid change (leucine 515 retained).
Molecular consequence: synonymous variant.
Genome position (GRCh38, 1-based): chr16:2,064,371, C>T. VCF-style: chr16-2064371-C-T. GRCh37 (hg19) VCF-style: chr16-2114372-C-T.
Other names: p.Leu515=; c.1543C>T, p.Leu515= (NM_001077183.3, NM_001114382.3, NM_001363528.2 and 3 more transcripts); c.1432C>T, p.Leu478= (NM_001318827.2); c.1396C>T, p.Leu466= (NM_001318829.2); c.943C>T, p.Leu315= (NM_001318831.2); c.1576C>T, p.Leu526= (NM_001318832.2); c.1543C>T (NM_000548.4).
Identifiers: ClinVar variation 65170 (VCV000065170.48), dbSNP rs35896166, ClinGen allele CA015043.

ClinVar aggregate classification (germline): Benign/Likely benign. Review status: criteria provided, multiple submitters, no conflicts (2 of 4 stars). 21 submissions from 21 submitters: Benign (16); Likely benign (2). 3 of the submissions do not count toward it. Last evaluated 2026-02-03.

Conditions:
Hereditary cancer-predisposing syndrome. Also called: Neoplastic Syndromes, Hereditary; Tumor predisposition; Hereditary Cancer Syndrome; Hereditary neoplastic syndrome. Identifiers: Orphanet 140162, MedGen C0027672, MeSH D009386, MONDO:0015356.
Lymphangiomyomatosis (LAM). Also called: Lymphangioleiomyomatosis, somatic; Lymphangioleiomyomatosis. Identifiers: Orphanet 538, MedGen C0751674, MONDO:0011705, OMIM 606690.
Tuberous sclerosis 2 (TSC2). Identifiers: Orphanet 805, MedGen C1860707, MONDO:0013199, OMIM 613254.
Isolated focal cortical dysplasia type II (FCORD2). Also called: CORTICAL DYSPLASIA OF TAYLOR; Focal cortical dysplasia type II. Identifiers: Orphanet 268994, MedGen C1846385, MONDO:0011818, OMIM 607341, HP:0032051.
Tuberous sclerosis syndrome (TSC). Also called: Tuberous Sclerosis Complex; Tuberous sclerosis. Identifiers: Orphanet 805, MedGen C0041341, MONDO:0001734.

Allele frequency attached by ClinVar (database versions not stated): gnomAD exomes 0.00073 and 0.00198; ExAC 0.00242; gnomAD 0.00702 and 0.00749; 1000 Genomes Project 0.00739; 1000 Genomes Project 30x 0.00828; TOPMed 0.00832; ESP Exome Variant Server 0.00769.

Submissions (21):

Labcorp Genetics (formerly Invitae), Labcorp
Classification: Benign for Tuberous sclerosis 2. Last evaluated: 2026-02-03. Review status: criteria provided, single submitter. Criteria: Invitae Variant Classification Sherloc (09022015). Collection method: clinical testing. Allele origin: germline.

Quest Diagnostics Nichols Institute San Juan Capistrano
Classification: Benign. Last evaluated: 2025-10-29. Review status: criteria provided, single submitter. Criteria: Quest Diagnostics criteria. Collection method: clinical testing. Allele origin: unknown.

Mayo Clinic Laboratories, Mayo Clinic
Classification: Likely benign. Last evaluated: 2025-08-22. Review status: criteria provided, single submitter. Criteria: ACMG Guidelines, 2015. Collection method: clinical testing. Allele origin: germline. Observed: 11 variant alleles.
Comment: BS1, BP4, BP7

Myriad Genetics, Inc.
Classification: Benign for Tuberous sclerosis 2. Last evaluated: 2025-05-14. Review status: criteria provided, single submitter. Criteria: Myriad Autosomal Dominant, Autosomal Recessive and X-Linked Classification Criteria (2023). Collection method: clinical testing. Allele origin: unknown.
Comment: This variant is considered benign. This variant is a silent/synonymous amino acid change and it is not expected to impact splicing.

ARUP Laboratories, Molecular Genetics and Genomics, ARUP Laboratories
Classification: Benign. Last evaluated: 2025-05-07. Review status: criteria provided, single submitter. Criteria: ARUP Molecular Germline Variant Investigation Process 2024. Collection method: clinical testing. Allele origin: germline.

Blueprint Genetics
Classification: Benign. Last evaluated: 2024-10-10. Review status: criteria provided, single submitter. Criteria: ACMG Guidelines, 2015. Collection method: clinical testing. Allele origin: germline.

All of Us Research Program, National Institutes of Health
Classification: Benign for Tuberous sclerosis syndrome. Last evaluated: 2024-02-05. Review status: criteria provided, single submitter. Criteria: ACMG Guidelines, 2015. Collection method: clinical testing. Allele origin: germline. Inheritance: Autosomal dominant inheritance. Observed: 458 variant alleles, 451 heterozygotes, 7 homozygotes.
Comment: This study involves interpretation of variants in research participants for the purpose of population health screening. Participant phenotype was not available at the time of variant classification. Additional details can be found in publication PMID: 35346344, PMCID: PMC8962531

KCCC/NGS Laboratory, Kuwait Cancer Control Center
Classification: Benign for Tuberous sclerosis 2. Last evaluated: 2023-07-07. Review status: criteria provided, single submitter. Criteria: ACMG Guidelines, 2015. Collection method: clinical testing. Allele origin: germline. Affected: yes.

Department of Pathology and Laboratory Medicine, Sinai Health System
Classification: Benign for Lymphangiomyomatosis; Isolated focal cortical dysplasia type II; Tuberous sclerosis 2. Last evaluated: 2023-06-09. Review status: criteria provided, single submitter. Criteria: ACMG Guidelines, 2015. Collection method: clinical testing. Allele origin: germline. Affected: no.

Color Diagnostics, LLC DBA Color Health
Classification: Benign for Tuberous sclerosis syndrome. Last evaluated: 2022-09-20. Review status: criteria provided, single submitter. Criteria: ACMG Guidelines, 2015. Collection method: clinical testing. Allele origin: germline.

Genome-Nilou Lab
Classification: Benign for Tuberous sclerosis 2. Last evaluated: 2021-11-07. Review status: criteria provided, single submitter. Criteria: ACMG Guidelines, 2015. Collection method: clinical testing. Allele origin: germline. Affected: no.

Fulgent Genetics
Classification: Likely benign for Lymphangiomyomatosis; Isolated focal cortical dysplasia type II; Tuberous sclerosis 2. Last evaluated: 2021-07-23. Review status: criteria provided, single submitter. Criteria: ACMG Guidelines, 2015. Collection method: clinical testing. Allele origin: unknown.

Genetic Services Laboratory, University of Chicago
Classification: Benign. Last evaluated: 2021-06-07. Review status: criteria provided, single submitter. Criteria: ACMG Guidelines, 2015. Collection method: clinical testing. Allele origin: germline. Affected: no.

Illumina Laboratory Services, Illumina
Classification: Benign for Tuberous sclerosis syndrome. Last evaluated: 2018-01-13. Review status: criteria provided, single submitter. Criteria: ICSL Variant Classification Criteria 13 December 2019. Collection method: clinical testing. Allele origin: germline.
Comment: This variant was observed in the ICSL laboratory as part of a predisposition screen in an ostensibly healthy population. It had not been previously curated by ICSL or reported in the Human Gene Mutation Database (HGMD: prior to June 1st, 2018), and was therefore a candidate for classification through an automated scoring system. Utilizing variant allele frequency, disease prevalence and penetrance estimates, and inheritance mode, an automated score was calculated to assess if this variant is too frequent to cause the disease. Based on the score and internal cut-off values, a variant classified as benign is not then subjected to further curation. The score for this variant resulted in a classification of benign for this disease.

Athena Diagnostics
Classification: Benign. Last evaluated: 2017-09-20. Review status: criteria provided, single submitter. Criteria: Athena Diagnostics Criteria. Collection method: clinical testing. Allele origin: germline.

Women's Health and Genetics/Laboratory Corporation of America, LabCorp
Classification: Benign. Last evaluated: 2016-08-23. Review status: criteria provided, single submitter. Criteria: LabCorp Variant Classification Summary - May 2015. Collection method: clinical testing. Allele origin: germline.
Comment: Variant summary: The TSC2 c.1543C>T (p.Leu515Leu) variant involves the alteration of a conserved nucleotide, resulting in a synonymous change. One in silico tool predicts a damaging outcome for this variant. 5/5 splice prediction tools predict no significant impact on normal splicing. However, these predictions have yet to be confirmed by functional studies. This variant was found in 293/121028 control chromosomes (3 homozygotes), predominantly observed in the African subpopulation at a frequency of 0.0263918 (274/10382). This frequency is about 384 times the estimated maximal expected allele frequency of a pathogenic TSC2 variant (0.0000688), indicating this is a benign polymorphism found primarily in the populations of African origin. In addition, multiple clinical diagnostic laboratories/reputable databases classified this variant as benign. Taken together, this variant is classified as benign.

GeneDx
Classification: Benign. Last evaluated: 2015-03-03. Review status: criteria provided, single submitter. Criteria: GeneDx Variant Classification Process June 2021. Collection method: clinical testing. Allele origin: germline. Affected: yes.

Ambry Genetics
Classification: Benign for Hereditary cancer-predisposing syndrome. Last evaluated: 2014-10-30. Review status: criteria provided, single submitter. Criteria: Ambry Variant Classification Scheme 2023. Collection method: clinical testing. Allele origin: germline.

Clinical Genetics DNA and cytogenetics Diagnostics Lab, Erasmus MC, Erasmus Medical Center
Classification: Benign. Review status: no assertion criteria provided. Collection method: clinical testing. Allele origin: germline. Affected: yes. Study: VKGL Data-share Consensus. Not counted in ClinVar's aggregate classification.

Clinical Genetics, Academic Medical Center
Classification: Benign. Review status: no assertion criteria provided. Collection method: clinical testing. Allele origin: germline. Affected: yes. Study: VKGL Data-share Consensus. Not counted in ClinVar's aggregate classification.

Tuberous sclerosis database (TSC2)
No classification provided. Condition: TSC. Review status: no classification provided. Criteria: Tuberous Sclerosis Database Assertion Criteria 2015. Collection method: curation. Allele origin: germline. Affected: yes. Not counted in ClinVar's aggregate classification.